The following is an entry in ClinVar:

NM_001372066.1(TFAP2A):c.14_15delinsTC (p.Trp5Phe)

Genes: TFAP2A (transcription factor AP-2 alpha; minus strand), TFAP2A-AS1 (TFAP2A antisense RNA 1; plus strand). Cytogenetic location: 6p24.3.
Variant type: Indel.
Coding change: c.14_15delinsTC on transcript NM_001372066.1 (MANE Select); coding-DNA positions 14 to 15, GG replaced by TC.
Protein change: p.Trp5Phe; replaces tryptophan 5 with phenylalanine.
Molecular consequence: missense variant. On other transcripts: non-coding transcript variant (1), intron variant (1).
Genome position (GRCh38, 1-based): chr6:10,414,977-10,414,978, CC replaced by GA on the plus strand (GG replaced by TC on the coding strand, the reverse complement: TFAP2A is on the minus strand). VCF-style: chr6-10414977-CC-GA. GRCh37 (hg19) VCF-style: chr6-10415210-CC-GA.
Other names: NM_003220.2:c.8_9delinsTC; c.33+4440_33+4441delinsTC (NM_001042425.3); short protein forms W5F.
Identifiers: ClinVar variation 1310390 (VCV001310390.2), dbSNP rs2113228883, ClinGen allele CA2573052557.

ClinVar aggregate classification (germline): Uncertain significance (1 of 4 stars; one submission).

Submission:

GeneDx
Classification: Uncertain significance. Last evaluated: 2019-11-07. Review status: criteria provided, single submitter. Criteria: GeneDx Variant Classification Process June 2021. Collection method: clinical testing. Allele origin: germline. Affected: yes.
Comment: Not observed in large population cohorts (Lek et al., 2016); In silico analysis, which includes protein predictors and evolutionary conservation, supports a deleterious effect; Has not been previously published as pathogenic or benign to our knowledge